The following is an entry in ClinVar:

NM_000090.4(COL3A1):c.799-303C>G

Gene: COL3A1 (collagen type III alpha 1 chain; plus strand). Cytogenetic location: 2q32.2.
Variant type: single nucleotide variant.
Coding change: c.799-303C>G on transcript NM_000090.4 (MANE Select); 303 bases into the intron before coding-DNA position 799, C replaced by G.
Molecular consequence: intron variant.
Genome position (GRCh38, 1-based): chr2:188,990,701, C>G. VCF-style: chr2-188990701-C-G. GRCh37 (hg19) VCF-style: chr2-189855427-C-G.
Identifiers: ClinVar variation 669605 (VCV000669605.1), dbSNP rs16830983, ClinGen allele CA62590975.
Genomic context (GRCh38, chr2:188,990,701, plus strand): 5'-TTAATATGATTTATAGATTGAGTTGAACAACTTTATTCTATGCAAAATATTTCGTACATT[C>G]AACCAACTGTGCCTACAACCTATCAACTGAATTATAATAAAATCTATGAAACTCATGTTT-3'

ClinVar aggregate classification (germline): Benign (1 of 4 stars; one submission).

Allele frequency attached by ClinVar (database versions not stated): gnomAD 0.07740 and 0.08080; TOPMed 0.08731; 1000 Genomes Project 0.11062; 1000 Genomes Project 30x 0.11384.
gnomAD v4.1: 11,689 of 152,176 alleles (7.7%); highest among the groups gnomAD compares: African/African-American, 25%; 1,342 homozygotes.

Submission:

GeneDx
Classification: Benign. Last evaluated: 2018-06-14. Review status: criteria provided, single submitter. Criteria: GeneDx Variant Classification (06012015). Collection method: clinical testing. Allele origin: germline. Affected: yes.
Comment: This variant is considered likely benign or benign based on one or more of the following criteria: it is a conservative change, it occurs at a poorly conserved position in the protein, it is predicted to be benign by multiple in silico algorithms, and/or has population frequency not consistent with disease.